The following is an entry in ClinVar:

ClinVar aggregate classification (germline): Uncertain significance. Review status: criteria provided, multiple submitters, no conflicts (2 of 4 stars). 2 submissions from 2 submitters: Uncertain significance (2). Last evaluated 2022-10-17.

Conditions:
Neonatal-onset encephalopathy with rigidity and seizures. Also called: Lethal neonatal spasticity-epileptic encephalopathy syndrome. Identifiers: Orphanet 435845, MedGen C3281029, MONDO:0013784, OMIM 614498.

Allele frequency attached by ClinVar (database versions not stated): TOPMed 0.00001; gnomAD 0.00002; gnomAD exomes 0.00002; ExAC 0.00003; ESP Exome Variant Server 0.00016.
gnomAD v4.1: 29 of 1,512,038 alleles (0.0019%); highest among the groups gnomAD compares: Middle Eastern, 0.036%; no homozygotes.

Submissions (2):

GeneDx
Classification: Uncertain significance. Last evaluated: 2022-10-17. Review status: criteria provided, single submitter. Criteria: GeneDx Variant Classification Process June 2021. Collection method: clinical testing. Allele origin: germline. Affected: yes.
Comment: Not observed at significant frequency in large population cohorts (gnomAD); In silico analysis supports that this missense variant has a deleterious effect on protein structure/function; Has not been previously published as pathogenic or benign to our knowledge

Labcorp Genetics (formerly Invitae), Labcorp
Classification: Uncertain significance for Neonatal-onset encephalopathy with rigidity and seizures. Last evaluated: 2022-09-07. Review status: criteria provided, single submitter. Criteria: Invitae Variant Classification Sherloc (09022015). Collection method: clinical testing. Allele origin: germline.
Comment: This sequence change replaces arginine, which is basic and polar, with cysteine, which is neutral and slightly polar, at codon 268 of the BRAT1 protein (p.Arg268Cys). This variant is present in population databases (rs145047426, gnomAD 0.01%). This variant has not been reported in the literature in individuals affected with BRAT1-related conditions. Algorithms developed to predict the effect of missense changes on protein structure and function (SIFT, PolyPhen-2, Align-GVGD) all suggest that this variant is likely to be disruptive. In summary, the available evidence is currently insufficient to determine the role of this variant in disease. Therefore, it has been classified as a Variant of Uncertain Significance.

NM_152743.4(BRAT1):c.802C>T (p.Arg268Cys)

Gene: BRAT1 (BRCA1 associated ATM activator 1; minus strand). Cytogenetic location: 7p22.3.
Variant type: single nucleotide variant.
Coding change: c.802C>T on transcript NM_152743.4 (MANE Select); coding-DNA position 802, C replaced by T.
Protein change: p.Arg268Cys; replaces arginine 268 with cysteine.
Molecular consequence: missense variant. On other transcripts: non-coding transcript variant (1).
Genome position (GRCh38, 1-based): chr7:2,543,591, G>A on the plus strand (C>T on the coding strand, the complement: BRAT1 is on the minus strand). VCF-style: chr7-2543591-G-A. GRCh37 (hg19) VCF-style: chr7-2583225-G-A.
Other names: c.802C>T, p.Arg268Cys (NM_001350626.2); c.277C>T, p.Arg93Cys (NM_001350627.2); short protein forms R268C, R93C.
Identifiers: ClinVar variation 1700301 (VCV001700301.5), dbSNP rs145047426, ClinGen allele CA4128094.
Genomic context (GRCh38, chr7:2,543,591, plus strand): 5'-GTTATCCGAGGAAAACAGTTGCCCACCCAGGCCCCCCAGCTGCGTCCCGGGGCCCTGACC[G>A]AGCCACACAGAGAAGCAGGTCCACGAACGAGTGTGCGGCGGGGATGGGGTCTCTCTCCAG-3'
Protein context (NP_689956.2, residues 258-278): SFVDLLLCVA[Arg268Cys]SPVFSSSDGS